The following is an entry in ClinVar:

NM_001084.5(PLOD3):c.961C>T (p.Leu321=)

Gene: PLOD3 (procollagen-lysine,2-oxoglutarate 5-dioxygenase 3; minus strand). Cytogenetic location: 7q22.1.
Variant type: single nucleotide variant.
Coding change: c.961C>T on transcript NM_001084.5 (MANE Select); coding-DNA position 961, C replaced by T.
Protein change: p.Leu321=; no amino-acid change (leucine 321 retained).
Molecular consequence: synonymous variant.
Genome position (GRCh38, 1-based): chr7:101,212,574, G>A on the plus strand (C>T on the coding strand, the complement: PLOD3 is on the minus strand). VCF-style: chr7-101212574-G-A. GRCh37 (hg19) VCF-style: chr7-100855855-G-A.
Identifiers: ClinVar variation 723614 (VCV000723614.17), dbSNP rs143194730, ClinGen allele CA4407922.

ClinVar aggregate classification (germline): Likely benign. Review status: criteria provided, multiple submitters, no conflicts (2 of 4 stars). 3 submissions from 3 submitters: Likely benign (3). Last evaluated 2026-02-01.

Allele frequency attached by ClinVar (database versions not stated): ESP Exome Variant Server 0.00015; TOPMed 0.00033; 1000 Genomes Project 0.00040; 1000 Genomes Project 30x 0.00047; gnomAD 0.00065 and 0.00070.
gnomAD v4.1: 607 of 1,613,930 alleles (0.038%); highest among the groups gnomAD compares: Admixed American, 0.22%; 1 homozygote.

Submissions (3):

Labcorp Genetics (formerly Invitae), Labcorp
Classification: Likely benign. Last evaluated: 2026-02-01. Review status: criteria provided, single submitter. Criteria: Invitae Variant Classification Sherloc (09022015). Collection method: clinical testing. Allele origin: germline.

CeGaT Center for Human Genetics Tuebingen
Classification: Likely benign. Last evaluated: 2025-11-01. Review status: criteria provided, single submitter. Criteria: CeGaT Center For Human Genetics Tuebingen Variant Classification Criteria Version 2. Collection method: clinical testing. Allele origin: germline. Affected: yes. Observed: 1 variant allele.
Comment: PLOD3: BP4, BP7

Breakthrough Genomics
Classification: Likely benign. Review status: criteria provided, single submitter. Criteria: ACMG Guidelines, 2015. Collection method: not provided. Allele origin: germline. Inheritance: Autosomal recessive inheritance. Affected: yes.